The following is an entry in ClinVar:

NM_001572.5(IRF7):c.847+6T>C

Gene: IRF7 (interferon regulatory factor 7; minus strand). Cytogenetic location: 11p15.5.
Variant type: single nucleotide variant.
Coding change: c.847+6T>C on transcript NM_001572.5 (MANE Select); 6 bases into the intron after coding-DNA position 847, T replaced by C.
Molecular consequence: intron variant.
Genome position (GRCh38, 1-based): chr11:613,779, A>G on the plus strand (T>C on the coding strand, the complement: IRF7 is on the minus strand). VCF-style: chr11-613779-A-G. GRCh37 (hg19) VCF-style: chr11-613779-A-G.
Other names: c.760+6T>C (NM_004029.4); c.886+6T>C (NM_004031.4).
Identifiers: ClinVar variation 1045060 (VCV001045060.8), dbSNP rs747429730, ClinGen allele CA5783717.

ClinVar aggregate classification (germline): Uncertain significance (1 of 4 stars; one submission).

Conditions:
Immunodeficiency 39 (IMD39). Identifiers: Orphanet 574918, MedGen C4225358, MONDO:0014597, OMIM 616345.

Allele frequency attached by ClinVar (database versions not stated): gnomAD 0.00001; gnomAD exomes 0.00001; TOPMed 0.00002; ExAC 0.00003.
gnomAD v4.1: 19 of 1,544,246 alleles (0.0012%); highest among the groups gnomAD compares: Non-Finnish European, 0.0016%; no homozygotes.

Submission:

Labcorp Genetics (formerly Invitae), Labcorp
Classification: Uncertain significance for Immunodeficiency 39. Last evaluated: 2020-06-02. Review status: criteria provided, single submitter. Criteria: Invitae Variant Classification Sherloc (09022015). Collection method: clinical testing. Allele origin: germline.
Comment: This sequence change falls in intron 6 of the IRF7 gene. It does not directly change the encoded amino acid sequence of the IRF7 protein, but it affects a nucleotide within the consensus splice site of the intron. This variant is present in population databases (rs747429730, ExAC 0.03%). This variant has not been reported in the literature in individuals with IRF7-related conditions. Nucleotide substitutions within the consensus splice site are a relatively common cause of aberrant splicing (PMID: 17576681, 9536098). Algorithms developed to predict the effect of sequence changes on RNA splicing suggest that this variant is not likely to affect RNA splicing, but this prediction has not been confirmed by published transcriptional studies. In summary, the available evidence is currently insufficient to determine the role of this variant in disease. Therefore, it has been classified as a Variant of Uncertain Significance.

Literature cited by the submitters: PubMed 17576681; PubMed 9536098.